The following is an entry in ClinVar:

NM_000316.3(PTH1R):c.311G>A (p.Arg104Gln)

Gene: PTH1R (parathyroid hormone 1 receptor; plus strand). Cytogenetic location: 3p21.31.
Variant type: single nucleotide variant.
Coding change: c.311G>A on transcript NM_000316.3 (MANE Select); coding-DNA position 311, G replaced by A.
Protein change: p.Arg104Gln; replaces arginine 104 with glutamine.
Molecular consequence: missense variant.
Genome position (GRCh38, 1-based): chr3:46,895,867, G>A. VCF-style: chr3-46895867-G-A. GRCh37 (hg19) VCF-style: chr3-46937357-G-A.
Other names: c.311G>A, p.Arg104Gln (NM_001184744.1); c.311G>A (NM_000316.2); short protein forms R104Q.
Identifiers: ClinVar variation 1410640 (VCV001410640.8), dbSNP rs199875878, ClinGen allele CA2359136.

ClinVar aggregate classification (germline): Conflicting classifications of pathogenicity. Review status: criteria provided, conflicting classifications (1 of 4 stars). 3 submissions from 3 submitters: Uncertain significance (2); Likely benign (1). Last evaluated 2025-03-18.

Conditions:
Metaphyseal chondrodysplasia, Jansen type. Also called: Metaphyseal chondrodysplasia Murk Jansen type; PTH1R-Related Jansen Metaphyseal Chondrodysplasia. Identifiers: Orphanet 33067, MedGen C0265295, MONDO:0007982, OMIM 156400.
Primary failure of tooth eruption. Also called: DENTAL NONERUPTION; PRIMARY RETENTION OF TEETH; UNERUPTED SECOND PRIMARY MOLAR; POSTERIOR OPENBITE MALOCCLUSION, FAMILIAL. Identifiers: Orphanet 412206, MedGen C1852222, MONDO:0007434, OMIM 125350.
Chondrodysplasia Blomstrand type (BOCD). Identifiers: Orphanet 50945, MedGen C1859148, MONDO:0008970, OMIM 215045.
Eiken syndrome (EKNS). Also called: BONE MODELING DEFECT OF HANDS AND FEET. Identifiers: Orphanet 79106, MedGen C1838779, MONDO:0010803, OMIM 600002.
Inborn genetic diseases. Identifiers: MedGen C0950123, MeSH D030342.

Allele frequency attached by ClinVar (database versions not stated): gnomAD 0.00008; gnomAD exomes 0.00008 and 0.00010; TOPMed 0.00008; ExAC 0.00012.
gnomAD v4.1: 125 of 1,612,820 alleles (0.0078%); highest among the groups gnomAD compares: South Asian, 0.019%; 1 homozygote.

Submissions (3):

Ambry Genetics
Classification: Likely benign for Inborn genetic diseases. Last evaluated: 2025-03-18. Review status: criteria provided, single submitter. Criteria: Ambry Variant Classification Scheme 2023. Collection method: clinical testing. Allele origin: germline.

Labcorp Genetics (formerly Invitae), Labcorp
Classification: Uncertain significance. Last evaluated: 2025-03-13. Review status: criteria provided, single submitter. Criteria: Invitae Variant Classification Sherloc (09022015). Collection method: clinical testing. Allele origin: germline.
Comment: This sequence change replaces arginine, which is basic and polar, with glutamine, which is neutral and polar, at codon 104 of the PTH1R protein (p.Arg104Gln). This variant is present in population databases (rs199875878, gnomAD 0.03%). This variant has not been reported in the literature in individuals affected with PTH1R-related conditions. ClinVar contains an entry for this variant (Variation ID: 1410640). An algorithm developed to predict the effect of missense changes on protein structure and function outputs the following: PolyPhen-2: "Benign". The glutamine amino acid residue is found in multiple mammalian species, which suggests that this missense change does not adversely affect protein function. In summary, the available evidence is currently insufficient to determine the role of this variant in disease. Therefore, it has been classified as a Variant of Uncertain Significance.

Fulgent Genetics
Classification: Uncertain significance for Primary failure of tooth eruption; Metaphyseal chondrodysplasia, Jansen type; Chondrodysplasia Blomstrand type; Eiken syndrome. Last evaluated: 2024-01-24. Review status: criteria provided, single submitter. Criteria: ACMG Guidelines, 2015. Collection method: clinical testing. Allele origin: germline.